The following is an entry in ClinVar:

NM_001848.3(COL6A1):c.2662C>T (p.Arg888Trp)

Gene: COL6A1 (collagen type VI alpha 1 chain; plus strand). Cytogenetic location: 21q22.3.
Variant type: single nucleotide variant.
Coding change: c.2662C>T on transcript NM_001848.3 (MANE Select); coding-DNA position 2662, C replaced by T.
Protein change: p.Arg888Trp; replaces arginine 888 with tryptophan.
Molecular consequence: missense variant.
Genome position (GRCh38, 1-based): chr21:46,003,588, C>T. VCF-style: chr21-46003588-C-T. GRCh37 (hg19) VCF-style: chr21-47423502-C-T.
Other names: short protein forms R888W.
Identifiers: ClinVar variation 284129 (VCV000284129.26), dbSNP rs368307185, ClinGen allele CA10070995.

ClinVar aggregate classification (germline): Conflicting classifications of pathogenicity. Review status: criteria provided, conflicting classifications (1 of 4 stars). 7 submissions from 7 submitters: Uncertain significance (5); Benign (2). Last evaluated 2026-01-12.

Conditions:
Ehlers-Danlos syndrome (EDS). Identifiers: Orphanet 98249, MedGen C0013720, MONDO:0020066.
Bethlem myopathy 1A. Also called: Bethlem myopathy 1; MYOPATHY, BENIGN CONGENITAL, WITH CONTRACTURES; Bethlem Muscular Dystrophy. Identifiers: Orphanet 610, MedGen CN029274, MONDO:0024530, OMIM 158810.
Collagen 6-related myopathy. Identifiers: MedGen CN117976, MONDO:0100225.
Inborn genetic diseases. Identifiers: MedGen C0950123, MeSH D030342.

Allele frequency attached by ClinVar (database versions not stated): gnomAD exomes 0.00004 and 0.00008; ExAC 0.00006; ESP Exome Variant Server 0.00008; gnomAD 0.00017 and 0.00018; TOPMed 0.00017; 1000 Genomes Project 0.00040; 1000 Genomes Project 30x 0.00047.

Submissions (7):

Labcorp Genetics (formerly Invitae), Labcorp
Classification: Benign for Bethlem myopathy 1A. Last evaluated: 2026-01-12. Review status: criteria provided, single submitter. Criteria: Invitae Variant Classification Sherloc (09022015). Collection method: clinical testing. Allele origin: germline.

Ambry Genetics
Classification: Uncertain significance for Inborn genetic diseases. Last evaluated: 2025-12-11. Review status: criteria provided, single submitter. Criteria: Ambry Variant Classification Scheme 2023. Collection method: clinical testing. Allele origin: germline.

GeneDx
Classification: Uncertain significance. Last evaluated: 2024-08-09. Review status: criteria provided, single submitter. Criteria: GeneDx Variant Classification Process June 2021. Collection method: clinical testing. Allele origin: germline. Affected: yes.
Comment: In silico analysis indicates that this missense variant does not alter protein structure/function; Has not been previously published as pathogenic or benign to our knowledge

Revvity Omics, Revvity
Classification: Uncertain significance. Last evaluated: 2023-11-28. Review status: criteria provided, single submitter. Criteria: ACMG Guidelines, 2015. Collection method: clinical testing. Allele origin: germline.

Cambridge Genomics Laboratory, East Genomic Laboratory Hub, NHS Genomic Medicine Service
Classification: Uncertain significance for Ehlers-Danlos syndrome. Last evaluated: 2019-10-24. Review status: criteria provided, single submitter. Criteria: ACGS Best Practice Guidelines for Variant Classification in Rare Disease 2020. Collection method: clinical testing. Allele origin: germline. Affected: yes. Observed: 1 variant allele.

Illumina Laboratory Services, Illumina
Classification: Benign for Collagen VI-related myopathy. Last evaluated: 2018-01-13. Review status: criteria provided, single submitter. Criteria: ICSL Variant Classification Criteria 13 December 2019. Collection method: clinical testing. Allele origin: germline.
Comment: This variant was observed in the ICSL laboratory as part of a predisposition screen in an ostensibly healthy population. It had not been previously curated by ICSL or reported in the Human Gene Mutation Database (HGMD: prior to June 1st, 2018), and was therefore a candidate for classification through an automated scoring system. Utilizing variant allele frequency, disease prevalence and penetrance estimates, and inheritance mode, an automated score was calculated to assess if this variant is too frequent to cause the disease. Based on the score and internal cut-off values, a variant classified as benign is not then subjected to further curation. The score for this variant resulted in a classification of benign for this disease.

Eurofins Ntd Llc (ga)
Classification: Uncertain significance. Last evaluated: 2015-11-06. Review status: criteria provided, single submitter. Criteria: EGL Classification Definitions 2015. Collection method: clinical testing. Allele origin: germline. Observed: 2 variant alleles, 2 heterozygotes.